The following is an entry in ClinVar:

ClinVar aggregate classification (germline): Pathogenic (1 of 4 stars; one submission).

Allele frequency attached by ClinVar (database versions not stated): gnomAD 0.00001; gnomAD exomes 0.00001; TOPMed 0.00002; ESP Exome Variant Server 0.00008.
gnomAD v4.1: 13 of 1,609,474 alleles (0.00081%); highest among the groups gnomAD compares: East Asian, 0.0022%; no homozygotes.

Submission:

Labcorp Genetics (formerly Invitae), Labcorp
Classification: Pathogenic. Last evaluated: 2022-10-17. Review status: criteria provided, single submitter. Criteria: Invitae Variant Classification Sherloc (09022015). Collection method: clinical testing. Allele origin: germline.
Comment: For these reasons, this variant has been classified as Pathogenic. This variant has not been reported in the literature in individuals affected with CEP250-related conditions. This variant is present in population databases (rs368932742, gnomAD 0.0009%). This sequence change creates a premature translational stop signal (p.Arg67*) in the CEP250 gene. It is expected to result in an absent or disrupted protein product. Loss-of-function variants in CEP250 are known to be pathogenic (PMID: 24780881, 29718797).

Literature cited by the submitters: PubMed 24780881; PubMed 29718797.

NM_007186.6(CEP250):c.199C>T (p.Arg67Ter)

Gene: CEP250 (centrosomal protein 250; plus strand). Cytogenetic location: 20q11.22.
Variant type: single nucleotide variant.
Coding change: c.199C>T on transcript NM_007186.6 (MANE Select); coding-DNA position 199, C replaced by T.
Protein change: p.Arg67Ter; replaces arginine 67 with a stop codon.
Molecular consequence: nonsense. On other transcripts: 5 prime UTR variant (1).
Genome position (GRCh38, 1-based): chr20:35,463,587, C>T. VCF-style: chr20-35463587-C-T. GRCh37 (hg19) VCF-style: chr20-34051412-C-T.
Other names: c.-1701C>T (NM_001318219.1); short protein forms R67*.
Identifiers: ClinVar variation 1937734 (VCV001937734.5), dbSNP rs368932742, ClinGen allele CA314143371.